The following is an entry in ClinVar:

NM_198576.4(AGRN):c.4061C>T (p.Thr1354Ile)

Gene: AGRN (agrin; plus strand). Cytogenetic location: 1p36.33.
Variant type: single nucleotide variant.
Coding change: c.4061C>T on transcript NM_198576.4 (MANE Select); coding-DNA position 4061, C replaced by T.
Protein change: p.Thr1354Ile; replaces threonine 1354 with isoleucine.
Molecular consequence: missense variant.
Genome position (GRCh38, 1-based): chr1:1,048,321, C>T. VCF-style: chr1-1048321-C-T. GRCh37 (hg19) VCF-style: chr1-983701-C-T.
Other names: c.4061C>T, p.Thr1354Ile (NM_001305275.2); c.3746C>T, p.Thr1249Ile (NM_001364727.2); short protein forms T1354I, T1249I.
Identifiers: ClinVar variation 2054238 (VCV002054238.2), dbSNP rs766470739, ClinGen allele CA337853436.

ClinVar aggregate classification (germline): Uncertain significance (1 of 4 stars; one submission).

Conditions:
Congenital myasthenic syndrome 8. Also called: Myasthenic syndrome, congenital, 8, with pre- and postsynaptic defects; MYASTHENIC SYNDROME, CONGENITAL, DUE TO AGRIN DEFICIENCY. Identifiers: Orphanet 590, MedGen C3808739, MONDO:0014052, OMIM 615120.

Allele frequency attached by ClinVar (database versions not stated): TOPMed 0.00001.
gnomAD v4.1: 5 of 1,480,544 alleles (0.00034%); highest among the groups gnomAD compares: Admixed American, 0.0024%; no homozygotes.

Submission:

Labcorp Genetics (formerly Invitae), Labcorp
Classification: Uncertain significance for Congenital myasthenic syndrome 8. Last evaluated: 2025-09-10. Review status: criteria provided, single submitter. Criteria: Invitae Variant Classification Sherloc (09022015). Collection method: clinical testing. Allele origin: germline.
Comment: This sequence change replaces threonine, which is neutral and polar, with isoleucine, which is neutral and non-polar, at codon 1354 of the AGRN protein (p.Thr1354Ile). This variant is not present in population databases (gnomAD no frequency). This variant has not been reported in the literature in individuals affected with AGRN-related conditions. ClinVar contains an entry for this variant (Variation ID: 2054238). An algorithm developed to predict the effect of missense changes on protein structure and function (PolyPhen-2) suggests that this variant is likely to be disruptive. In summary, the available evidence is currently insufficient to determine the role of this variant in disease. Therefore, it has been classified as a Variant of Uncertain Significance.